The following is an entry in ClinVar:

NM_000046.5(ARSB):c.441C>G (p.His147Gln)

Gene: ARSB (arylsulfatase B; minus strand). Cytogenetic location: 5q14.1.
Variant type: single nucleotide variant.
Coding change: c.441C>G on transcript NM_000046.5 (MANE Select); coding-DNA position 441, C replaced by G.
Protein change: p.His147Gln; replaces histidine 147 with glutamine.
Molecular consequence: missense variant.
Genome position (GRCh38, 1-based): chr5:78,969,064, G>C on the plus strand (C>G on the coding strand, the complement: ARSB is on the minus strand). VCF-style: chr5-78969064-G-C. GRCh37 (hg19) VCF-style: chr5-78264887-G-C.
Other names: c.441C>G, p.His147Gln (NM_198709.3); short protein forms H147Q.
Identifiers: ClinVar variation 1067555 (VCV001067555.9), dbSNP rs1752333074, ClinGen allele CA360194025.
Genomic context (GRCh38, chr5:78,969,064, plus strand): 5'-ACCAAAGTAGGTATCAAATCCTCGGCGGGTTGGAAGGCATTCTTTCCGGTACATTCCCAG[G>C]TGCCATTTTCCGACCATATGGGTAGTATAACCTGCTTCTTTTAGGAGCTGGGGCAGGAGT-3'
Protein context (NP_000037.2, residues 137-157): GYTTHMVGKW[His147Gln]LGMYRKECLP

ClinVar aggregate classification (germline): Likely pathogenic (1 of 4 stars; one submission).

Conditions:
Mucopolysaccharidosis type 6 (MPS6). Also called: N-ACETYLGALACTOSAMINE-4-SULFATASE DEFICIENCY; MPS VI; ARSB DEFICIENCY; ARYLSULFATASE B DEFICIENCY; MPS 6; Maroteaux Lamy syndrome. Identifiers: Orphanet 583, MedGen C0026709, MONDO:0009661, OMIM 253200.

gnomAD v4.1: 1 of 1,614,126 alleles (0.000062%); no homozygotes.

Submission:

Labcorp Genetics (formerly Invitae), Labcorp
Classification: Likely pathogenic for Mucopolysaccharidosis type 6. Last evaluated: 2021-01-17. Review status: criteria provided, single submitter. Criteria: Invitae Variant Classification Sherloc (09022015). Collection method: clinical testing. Allele origin: germline.
Comment: This variant disrupts the p.His147 amino acid residue in ARSB. Other variant(s) that disrupt this residue have been observed in individuals with ARSB-related conditions (PMID: 26909334), which suggests that this may be a clinically significant amino acid residue. In summary, the currently available evidence indicates that the variant is pathogenic, but additional data are needed to prove that conclusively. Therefore, this variant has been classified as Likely Pathogenic. Advanced modeling of protein sequence and biophysical properties (such as structural, functional, and spatial information, amino acid conservation, physicochemical variation, residue mobility, and thermodynamic stability) performed at Invitae indicates that this missense variant is expected to disrupt ARSB protein function. This variant has been observed in individual(s) with mucopolysaccharidosis type VI (Invitae). In at least one individual the data is consistent with the variant being in trans (on the opposite chromosome) from a pathogenic variant. This variant is not present in population databases (ExAC no frequency). This sequence change replaces histidine with glutamine at codon 147 of the ARSB protein (p.His147Gln). The histidine residue is highly conserved and there is a small physicochemical difference between histidine and glutamine.

Literature cited by the submitters: PubMed 26909334.